The following is an entry in ClinVar:

ClinVar aggregate classification (germline): Conflicting classifications of pathogenicity. Review status: criteria provided, conflicting classifications (1 of 4 stars). 9 submissions from 9 submitters: Uncertain significance (1); Likely benign (6). 2 of the submissions do not count toward it. Last evaluated 2026-09-01.

Conditions:
Cardiovascular phenotype. Identifiers: MedGen CN230736.
Progressive familial heart block type IB (PFHB1B). Identifiers: Orphanet 871, MedGen C1970298, MONDO:0011474, OMIM 604559.

Allele frequency attached by ClinVar (database versions not stated): TOPMed 0.00007; gnomAD exomes 0.00012 and 0.00013; ExAC 0.00014; gnomAD 0.00029 and 0.00031; ESP Exome Variant Server 0.00038.
gnomAD v4.1: 240 of 1,613,218 alleles (0.015%); highest among the groups gnomAD compares: Non-Finnish European, 0.019%; 1 homozygote.

Submissions (9):

CeGaT Center for Human Genetics Tuebingen
Classification: Likely benign. Last evaluated: 2026-09-01. Review status: criteria provided, single submitter. Criteria: CeGaT Center For Human Genetics Tuebingen Variant Classification Criteria Version 2. Collection method: clinical testing. Allele origin: germline. Affected: yes. Observed: 2 variant alleles.
Comment: TRPM4: BP4, BP7

Labcorp Genetics (formerly Invitae), Labcorp
Classification: Likely benign for Progressive familial heart block type IB. Last evaluated: 2025-12-19. Review status: criteria provided, single submitter. Criteria: Invitae Variant Classification Sherloc (09022015). Collection method: clinical testing. Allele origin: germline.

Laboratory of Genetics, Children's Clinical University Hospital Latvia
Classification: Likely benign. Last evaluated: 2025-02-16. Review status: criteria provided, single submitter. Criteria: ACMG Guidelines, 2015. Collection method: clinical testing. Allele origin: germline. Affected: yes.

ARUP Laboratories, Molecular Genetics and Genomics, ARUP Laboratories
Classification: Likely benign. Last evaluated: 2020-11-20. Review status: criteria provided, single submitter. Criteria: ARUP Molecular Germline Variant Investigation Process 2021. Collection method: clinical testing. Allele origin: germline.

GeneDx
Classification: Likely benign. Last evaluated: 2019-06-21. Review status: criteria provided, single submitter. Criteria: GeneDx Variant Classification Process June 2021. Collection method: clinical testing. Allele origin: germline. Affected: yes.

Illumina Laboratory Services, Illumina
Classification: Uncertain significance for Progressive familial heart block type IB. Last evaluated: 2018-01-12. Review status: criteria provided, single submitter. Criteria: ICSL Variant Classification Criteria 13 December 2019. Collection method: clinical testing. Allele origin: germline.

Ambry Genetics
Classification: Likely benign for Cardiovascular phenotype. Last evaluated: 2016-01-15. Review status: criteria provided, single submitter. Criteria: Ambry Variant Classification Scheme 2023. Collection method: clinical testing. Allele origin: germline.

Clinical Genetics DNA and cytogenetics Diagnostics Lab, Erasmus MC, Erasmus Medical Center
Classification: Likely benign. Review status: no assertion criteria provided. Collection method: clinical testing. Allele origin: germline. Affected: yes. Study: VKGL Data-share Consensus. Not counted in ClinVar's aggregate classification.

Clinical Genetics, Academic Medical Center
Classification: Benign. Review status: no assertion criteria provided. Collection method: clinical testing. Allele origin: germline. Affected: yes. Study: VKGL Data-share Consensus. Not counted in ClinVar's aggregate classification.

NM_017636.4(TRPM4):c.1242T>C (p.Phe414=)

Gene: TRPM4 (transient receptor potential cation channel subfamily M member 4; plus strand). Cytogenetic location: 19q13.33.
Variant type: single nucleotide variant.
Coding change: c.1242T>C on transcript NM_017636.4 (MANE Select); coding-DNA position 1242, T replaced by C.
Protein change: p.Phe414=; no amino-acid change (phenylalanine 414 retained).
Molecular consequence: synonymous variant. On other transcripts: 5 prime UTR variant (1), intron variant (1).
Genome position (GRCh38, 1-based): chr19:49,181,440, T>C. VCF-style: chr19-49181440-T-C. GRCh37 (hg19) VCF-style: chr19-49684697-T-C.
Other names: c.1242T>C, p.Phe414= (NM_001195227.2); c.897T>C, p.Phe299= (NM_001321281.2); c.-312T>C (NM_001321282.2); c.720T>C, p.Phe240= (NM_001321283.2); c.202-1138T>C (NM_001321285.2).
Identifiers: ClinVar variation 329854 (VCV000329854.53), dbSNP rs200633475, ClinGen allele CA9569127.